The following is an entry in ClinVar:

NM_005027.4(PIK3R2):c.1612A>T (p.Ser538Cys)

Gene: PIK3R2 (phosphoinositide-3-kinase regulatory subunit 2; plus strand). Cytogenetic location: 19p13.11.
Variant type: single nucleotide variant.
Coding change: c.1612A>T on transcript NM_005027.4 (MANE Select); coding-DNA position 1612, A replaced by T.
Protein change: p.Ser538Cys; replaces serine 538 with cysteine.
Molecular consequence: missense variant. On other transcripts: non-coding transcript variant (2).
Genome position (GRCh38, 1-based): chr19:18,167,182, A>T. VCF-style: chr19-18167182-A-T. GRCh37 (hg19) VCF-style: chr19-18277992-A-T.
Other names: short protein forms S538C.
Identifiers: ClinVar variation 3390726 (VCV003390726.1).

ClinVar aggregate classification (germline): Uncertain significance (1 of 4 stars; one submission).

Submission:

GeneDx
Classification: Uncertain significance. Last evaluated: 2024-06-10. Review status: criteria provided, single submitter. Criteria: GeneDx Variant Classification Process June 2021. Collection method: clinical testing. Allele origin: germline. Affected: yes.
Comment: Not observed at significant frequency in large population cohorts (gnomAD); In silico analysis supports that this missense variant has a deleterious effect on protein structure/function; Has not been previously published as pathogenic or benign to our knowledge